The following is an entry in ClinVar:

NM_001283009.2(RTEL1):c.713A>G (p.His238Arg)

Genes: RTEL1 (regulator of telomere elongation helicase 1; plus strand), RTEL1-TNFRSF6B (RTEL1-TNFRSF6B readthrough (NMD candidate); plus strand). Cytogenetic location: 20q13.33.
Variant type: single nucleotide variant.
Coding change: c.713A>G on transcript NM_001283009.2 (MANE Select); coding-DNA position 713, A replaced by G.
Protein change: p.His238Arg; replaces histidine 238 with arginine.
Molecular consequence: missense variant. On other transcripts: non-coding transcript variant (1).
Genome position (GRCh38, 1-based): chr20:63,672,569, A>G. VCF-style: chr20-63672569-A-G. GRCh37 (hg19) VCF-style: chr20-62303922-A-G.
Other names: c.44A>G, p.His15Arg (NM_001283010.1); c.713A>G, p.His238Arg (NM_016434.4); c.785A>G, p.His262Arg (NM_032957.5); short protein forms H15R, H262R, H238R.
Identifiers: ClinVar variation 3435982 (VCV003435982.1).
Genomic context (GRCh38, chr20:63,672,569, plus strand): 5'-CGGCCTCTGTGAGCTCCAGCGCTGCGTCCCTTCTCTTCCTCCTGTAGAGCCGCAGAGCAC[A>G]CAACATTGACCTGAAGGGGACAGTCGTGATCTTTGACGAAGCTCACAACGTGGTGAGTCT-3'
Protein context (NP_001269938.1, residues 228-248): YLLDAKSRRA[His238Arg]NIDLKGTVVI

ClinVar aggregate classification (germline): Uncertain significance (1 of 4 stars; one submission).

Conditions:
Inborn genetic diseases. Identifiers: MedGen C0950123, MeSH D030342.

gnomAD v4.1: 3 of 1,583,778 alleles (0.00019%); highest among the groups gnomAD compares: South Asian, 0.0035%; no homozygotes.

Submission:

Ambry Genetics
Classification: Uncertain significance for Inborn genetic diseases. Last evaluated: 2024-11-26. Review status: criteria provided, single submitter. Criteria: Ambry Variant Classification Scheme 2023. Collection method: clinical testing. Allele origin: germline.
Comment: The p.H238R variant (also known as c.713A>G), located in coding exon 8 of the RTEL1 gene, results from an A to G substitution at nucleotide position 713. The histidine at codon 238 is replaced by arginine, an amino acid with highly similar properties. This amino acid position is conserved. In addition, this alteration is predicted to be tolerated by in silico analysis. Based on the available evidence, the clinical significance of this variant remains unclear.